The following is an entry in ClinVar:

ClinVar aggregate classification (germline): Pathogenic (1 of 4 stars; one submission).

Submission:

Labcorp Genetics (formerly Invitae), Labcorp
Classification: Pathogenic. Last evaluated: 2023-09-13. Review status: criteria provided, single submitter. Criteria: Invitae Variant Classification Sherloc (09022015). Collection method: clinical testing. Allele origin: germline.
Comment: For these reasons, this variant has been classified as Pathogenic. This variant has not been reported in the literature in individuals affected with COL27A1-related conditions. This variant is not present in population databases (gnomAD no frequency). This sequence change creates a premature translational stop signal (p.Asn1710Thrfs*40) in the COL27A1 gene. It is expected to result in an absent or disrupted protein product. Loss-of-function variants in COL27A1 are known to be pathogenic (PMID: 24986830, 28276056).

Literature cited by the submitters: PubMed 24986830; PubMed 28276056.

NM_032888.4(COL27A1):c.5129del (p.Asn1710fs)

Gene: COL27A1 (collagen type XXVII alpha 1 chain; plus strand). Cytogenetic location: 9q32.
Variant type: Deletion.
Coding change: c.5129del on transcript NM_032888.4 (MANE Select); coding-DNA position 5129, one base deleted (A; older notation c.5129delA).
Protein change: p.Asn1710fs; shifts the reading frame from asparagine 1710.
Molecular consequence: frameshift variant.
Genome position (GRCh38, 1-based): chr9:114,307,690, A deleted; the last of 3 consecutive A bases (chr9:114,307,688-114,307,690); deleting any one gives the same sequence. VCF-style (leftmost placement, unchanged base first): chr9-114307687-CA-C. GRCh37 (hg19) VCF-style: chr9-117069967-CA-C.
Other names: short protein forms N1710fs.
Identifiers: ClinVar variation 2760556 (VCV002760556.3), dbSNP rs2490407204, ClinGen allele CA2697558034.